The following is an entry in ClinVar:

Single allele

Variant type: Deletion.
Identifiers: ClinVar variation 559472 (VCV000559472.3).

ClinVar aggregate classification (germline): Uncertain significance (1 of 4 stars; one submission).

Submission:

Geisinger Autism and Developmental Medicine Institute, Geisinger Health System
Classification: Uncertain significance. Last evaluated: 2018-03-28. Review status: criteria provided, single submitter. Criteria: ACMG CNV Guidelines, 2011. Collection method: provider interpretation. Allele origin: paternal.
Comment: This deletion is within the RBFOX1 (also known as A2BP1) gene, which has not been clearly associated with human diseases. RBFOX1 has been implicated in a range of neurodevelopmental diseases including forms of epilepsy and autism spectrum disorders. It is not clear whether this deletion is related to the patient's neurodevelopmental history.

Literature cited by the submitters: PubMed 26174448; PubMed 24664471; PubMed 24290388; PubMed 22678932.